The following is an entry in ClinVar:

ClinVar aggregate classification (germline): Likely benign (0 of 4 stars; one submission).

Conditions:
SPEN-related disorder. Also called: SPEN-related condition.

Allele frequency attached by ClinVar (database versions not stated): gnomAD 0.00002; ExAC 0.00003; gnomAD exomes 0.00003; TOPMed 0.00004; ESP Exome Variant Server 0.00008.
gnomAD v4.1: 54 of 1,614,046 alleles (0.0033%); highest among the groups gnomAD compares: Admixed American, 0.0083%; no homozygotes.

Submission:

PreventionGenetics, part of Exact Sciences
Classification: Likely benign for SPEN-related condition. Last evaluated: 2024-05-20. Review status: no assertion criteria provided. Collection method: clinical testing. Allele origin: germline.
Comment: This variant is classified as likely benign based on ACMG/AMP sequence variant interpretation guidelines (Richards et al. 2015 PMID: 25741868, with internal and published modifications).

NM_015001.3(SPEN):c.1926T>C (p.Tyr642=)

Gene: SPEN (spen family transcriptional repressor; plus strand). Cytogenetic location: 1p36.13.
Variant type: single nucleotide variant.
Coding change: c.1926T>C on transcript NM_015001.3 (MANE Select); coding-DNA position 1926, T replaced by C.
Protein change: p.Tyr642=; no amino-acid change (tyrosine 642 retained).
Molecular consequence: synonymous variant.
Genome position (GRCh38, 1-based): chr1:15,928,166, T>C. VCF-style: chr1-15928166-T-C. GRCh37 (hg19) VCF-style: chr1-16254661-T-C.
Identifiers: ClinVar variation 3058155 (VCV003058155.2), dbSNP rs373338584, ClinGen allele CA619183.
Genomic context (GRCh38, chr1:15,928,166, plus strand): 5'-ATCCTACGACTATAACCAAGATCGTACATATTATGAGAGTGTTCGAACTCCAGGCACTTA[T>C]CCTGAGGATTCCAGGCGGGACTATCCAGCTCGAGGGAGAGAGTTTTATTCAGAATGGGAA-3'
Protein context (NP_055816.2, residues 632-652): YYESVRTPGT[Tyr642=]PEDSRRDYPA